The following is an entry in ClinVar:

NM_001267550.2(TTN):c.43700G>C (p.Arg14567Thr)

Gene: TTN (titin; minus strand). Cytogenetic location: 2q31.2.
Variant type: single nucleotide variant.
Coding change: c.43700G>C on transcript NM_001267550.2 (MANE Select); coding-DNA position 43700, G replaced by C.
Protein change: p.Arg14567Thr; replaces arginine 14567 with threonine.
Molecular consequence: missense variant.
Genome position (GRCh38, 1-based): chr2:178,632,194, C>G on the plus strand (G>C on the coding strand, the complement: TTN is on the minus strand). VCF-style: chr2-178632194-C-G. GRCh37 (hg19) VCF-style: chr2-179496921-C-G.
Other names: c.38777G>C, p.Arg12926Thr (NM_001256850.1); c.16505G>C, p.Arg5502Thr (NM_003319.4); c.35996G>C, p.Arg11999Thr (NM_133378.4); c.16880G>C, p.Arg5627Thr (NM_133432.3); c.17081G>C, p.Arg5694Thr (NM_133437.4); short protein forms R11999T, R12926T, R14567T, R5502T, R5627T, R5694T.
Identifiers: ClinVar variation 5041322 (VCV005041322.1).

ClinVar aggregate classification (germline): Likely benign (1 of 4 stars; one submission).

gnomAD v4.1: 27 of 1,608,922 alleles (0.0017%); highest among the groups gnomAD compares: Non-Finnish European, 0.0023%; no homozygotes.

Submission:

CeGaT Center for Human Genetics Tuebingen
Classification: Likely benign. Last evaluated: 2026-09-01. Review status: criteria provided, single submitter. Criteria: CeGaT Center For Human Genetics Tuebingen Variant Classification Criteria Version 2. Collection method: clinical testing. Allele origin: germline. Affected: yes. Observed: 1 variant allele.
Comment: TTN: BP4